The following is an entry in ClinVar:

ClinVar aggregate classification (germline): Likely benign (1 of 4 stars; one submission).

Allele frequency attached by ClinVar (database versions not stated): gnomAD exomes 0.00009; gnomAD 0.00029; TOPMed 0.00030; ESP Exome Variant Server 0.00038; ExAC 0.00051; 1000 Genomes Project 30x 0.00125; 1000 Genomes Project 0.00132.

Submission:

CeGaT Center for Human Genetics Tuebingen
Classification: Likely benign. Last evaluated: 2023-03-01. Review status: criteria provided, single submitter. Criteria: CeGaT Center For Human Genetics Tuebingen Variant Classification Criteria Version 2. Collection method: clinical testing. Allele origin: germline. Affected: yes. Observed: 1 variant allele.
Comment: LUZP4: BP4, BS2

NM_016383.5(LUZP4):c.13C>T (p.Arg5Trp)

Gene: LUZP4 (leucine zipper protein 4; plus strand). Cytogenetic location: Xq23.
Variant type: single nucleotide variant.
Coding change: c.13C>T on transcript NM_016383.5 (MANE Select); coding-DNA position 13, C replaced by T.
Protein change: p.Arg5Trp; replaces arginine 5 with tryptophan.
Molecular consequence: missense variant. On other transcripts: 5 prime UTR variant (1).
Genome position (GRCh38, 1-based): chrX:115,289,772, C>T. VCF-style: chrX-115289772-C-T. GRCh37 (hg19) VCF-style: chrX-114524338-C-T.
Other names: c.-115C>T (NM_001318840.2); short protein forms R5W.
Identifiers: ClinVar variation 2661248 (VCV002661248.24), dbSNP rs139143631, ClinGen allele CA10496606.